The following is an entry in ClinVar:

ClinVar aggregate classification (germline): Likely benign (1 of 4 stars; one submission).

Submission:

CeGaT Center for Human Genetics Tuebingen
Classification: Likely benign. Last evaluated: 2025-10-01. Review status: criteria provided, single submitter. Criteria: CeGaT Center For Human Genetics Tuebingen Variant Classification Criteria Version 2. Collection method: clinical testing. Allele origin: germline. Affected: yes. Observed: 1 variant allele.
Comment: HPRT1: PM2:Supporting, BP4, BP7

NM_000194.3(HPRT1):c.192C>T (p.Ala64=)

Gene: HPRT1 (hypoxanthine phosphoribosyltransferase 1; plus strand). Cytogenetic location: Xq26.2.
Variant type: single nucleotide variant.
Coding change: c.192C>T on transcript NM_000194.3 (MANE Select); coding-DNA position 192, C replaced by T.
Protein change: p.Ala64=; no amino-acid change (alanine 64 retained).
Molecular consequence: synonymous variant.
Genome position (GRCh38, 1-based): chrX:134,475,238, C>T. VCF-style: chrX-134475238-C-T. GRCh37 (hg19) VCF-style: chrX-133609268-C-T.
Identifiers: ClinVar variation 4533995 (VCV004533995.6).
Genomic context (GRCh38, chrX:134,475,238, plus strand): 5'-TAGGACTGAACGTCTTGCTCGAGATGTGATGAAGGAGATGGGAGGCCATCACATTGTAGC[C>T]CTCTGTGTGCTCAAGGGGGGCTATAAATTCTTTGCTGACCTGCTGGATTACATCAAAGCA-3'
Protein context (NP_000185.1, residues 54-74): MKEMGGHHIV[Ala64=]LCVLKGGYKF